The following is an entry in ClinVar:

ClinVar aggregate classification (germline): Pathogenic (1 of 4 stars; one submission).

Submission:

Labcorp Genetics (formerly Invitae), Labcorp
Classification: Pathogenic. Last evaluated: 2022-07-06. Review status: criteria provided, single submitter. Criteria: Invitae Variant Classification Sherloc (09022015). Collection method: clinical testing. Allele origin: germline.
Comment: This sequence change creates a premature translational stop signal (p.Tyr716*) in the CNNM4 gene. While this is not anticipated to result in nonsense mediated decay, it is expected to disrupt the last 60 amino acid(s) of the CNNM4 protein. For these reasons, this variant has been classified as Pathogenic. This variant disrupts a region of the CNNM4 protein in which other variant(s) (p.Gln717*) have been determined to be pathogenic (PMID: 19200525). This suggests that this is a clinically significant region of the protein, and that variants that disrupt it are likely to be disease-causing. ClinVar contains an entry for this variant (Variation ID: 1440136). This variant has not been reported in the literature in individuals affected with CNNM4-related conditions. This variant is not present in population databases (gnomAD no frequency).

Literature cited by the submitters: PubMed 19200525.

NM_020184.4(CNNM4):c.2148C>A (p.Tyr716Ter)

Gene: CNNM4 (cyclin and CBS domain divalent metal cation transport mediator 4; plus strand). Cytogenetic location: 2q11.2.
Variant type: single nucleotide variant.
Coding change: c.2148C>A on transcript NM_020184.4 (MANE Select); coding-DNA position 2148, C replaced by A.
Protein change: p.Tyr716Ter; replaces tyrosine 716 with a stop codon.
Molecular consequence: nonsense.
Genome position (GRCh38, 1-based): chr2:96,809,337, C>A. VCF-style: chr2-96809337-C-A. GRCh37 (hg19) VCF-style: chr2-97475074-C-A.
Other names: short protein forms Y716*.
Identifiers: ClinVar variation 1440136 (VCV001440136.8), dbSNP rs1376873890, ClinGen allele CA347709391.